The following is an entry in ClinVar:

NM_024870.4(PREX2):c.1094-7T>C

Gene: PREX2 (phosphatidylinositol-3,4,5-trisphosphate dependent Rac exchange factor 2; plus strand). Cytogenetic location: 8q13.2.
Variant type: single nucleotide variant.
Coding change: c.1094-7T>C on transcript NM_024870.4 (MANE Select); 7 bases into the intron before coding-DNA position 1094, T replaced by C.
Molecular consequence: intron variant.
Genome position (GRCh38, 1-based): chr8:68,055,823, T>C. VCF-style: chr8-68055823-T-C. GRCh37 (hg19) VCF-style: chr8-68968058-T-C.
Other names: c.1094-7T>C (NM_025170.6).
Identifiers: ClinVar variation 791167 (VCV000791167.7), dbSNP rs7813577, ClinGen allele CA4773516.

ClinVar aggregate classification (germline): Benign. Review status: criteria provided, multiple submitters, no conflicts (2 of 4 stars). 3 submissions from 3 submitters: Benign (2). 1 of the submissions does not count toward it. Last evaluated 2019-12-31.

Conditions:
PREX2-related disorder. Also called: PREX2-related condition.

Allele frequency attached by ClinVar (database versions not stated): gnomAD exomes 0.00048 and 0.00126; ExAC 0.00159; 1000 Genomes Project 0.00439; 1000 Genomes Project 30x 0.00453; gnomAD 0.00495 and 0.00551; ESP Exome Variant Server 0.00569; TOPMed 0.00571.
gnomAD v4.1: 1,468 of 1,607,416 alleles (0.091%); highest among the groups gnomAD compares: African/African-American, 1.8%; 14 homozygotes.

Submissions (3):

Labcorp Genetics (formerly Invitae), Labcorp
Classification: Benign. Last evaluated: 2019-12-31. Review status: criteria provided, single submitter. Criteria: Invitae Variant Classification Sherloc (09022015). Collection method: clinical testing. Allele origin: germline.

Breakthrough Genomics
Classification: Benign. Review status: criteria provided, single submitter. Criteria: ACMG Guidelines, 2015. Collection method: not provided. Allele origin: germline. Inheritance: Unknown mechanism. Affected: yes.

PreventionGenetics, part of Exact Sciences
Classification: Benign for PREX2-related condition. Last evaluated: 2019-08-01. Review status: no assertion criteria provided. Collection method: clinical testing. Allele origin: germline. Not counted in ClinVar's aggregate classification.
Comment: This variant is classified as benign based on ACMG/AMP sequence variant interpretation guidelines (Richards et al. 2015 PMID: 25741868, with internal and published modifications).